The following is an entry in ClinVar:

ClinVar aggregate classification (germline): Pathogenic/Likely pathogenic. Review status: criteria provided, multiple submitters, no conflicts (2 of 4 stars). 6 submissions from 6 submitters: Pathogenic (4); Likely pathogenic (2). Last evaluated 2026-08-11.

Conditions:
ALDH7A1-related disorder. Also called: ALDH7A1-related condition.
Pyridoxine-dependent epilepsy (EPEO4). Also called: Pyridoxine-Dependent Seizures; PYRIDOXINE DEPENDENCY WITH SEIZURES; Pyridoxine-Dependent Epilepsy - ALDH7A1; EPILEPSY, EARLY-ONSET, 4, VITAMIN B6-DEPENDENT. Identifiers: Orphanet 3006, MedGen C1849508, MONDO:0009945, OMIM 266100. Disease mechanism: loss of function.
Early-infantile developmental and epileptic encephalopathy. Identifiers: MedGen C5781758.

Allele frequency attached by ClinVar (database versions not stated): gnomAD exomes below 0.00001; ExAC 0.00001.

Submissions (6):

GeneDx
Classification: Pathogenic. Last evaluated: 2026-08-11. Review status: criteria provided, single submitter. Criteria: GeneDx Variant Classification Process June 2021. Collection method: clinical testing. Allele origin: germline.
Comment: Identified in a patient with infantile epilepsy and mild neurodevelopmental delay in published literature (PMID: 31737911); Nonsense variant predicted to result in protein truncation or nonsense mediated decay in a gene for which loss of function is a known mechanism of disease; Not observed at significant frequency in large population cohorts (gnomAD); This variant is associated with the following publications: (PMID: 34426522, 31388081, 30043187, 31737911)

Labcorp Genetics (formerly Invitae), Labcorp
Classification: Pathogenic for Pyridoxine-dependent epilepsy. Last evaluated: 2024-11-18. Review status: criteria provided, single submitter. Criteria: Invitae Variant Classification Sherloc (09022015). Collection method: clinical testing. Allele origin: germline.
Comment: This sequence change creates a premature translational stop signal (p.Arg358*) in the ALDH7A1 gene. It is expected to result in an absent or disrupted protein product. Loss-of-function variants in ALDH7A1 are known to be pathogenic (PMID: 16491085, 20554659). This variant is present in population databases (rs768233031, gnomAD 0.006%). This premature translational stop signal has been observed in individual(s) with pyridoxine-dependent epilepsy (PMID: 31737911). ClinVar contains an entry for this variant (Variation ID: 1457545). Algorithms developed to predict the effect of sequence changes on RNA splicing suggest that this variant may disrupt the consensus splice site. For these reasons, this variant has been classified as Pathogenic.

Fulgent Genetics
Classification: Pathogenic for Pyridoxine-dependent epilepsy. Last evaluated: 2024-05-11. Review status: criteria provided, single submitter. Criteria: ACMG Guidelines, 2015. Collection method: clinical testing. Allele origin: germline.

Baylor Genetics
Classification: Pathogenic for Pyridoxine-dependent epilepsy. Last evaluated: 2024-02-18. Review status: criteria provided, single submitter. Criteria: ACMG Guidelines, 2015. Collection method: clinical testing. Allele origin: unknown.

Unidad de Genómica Garrahan, Hospital de Pediatría Garrahan
Classification: Likely pathogenic for Early-infantile developmental and epileptic encephalopathy. Last evaluated: 2024-01-01. Review status: criteria provided, single submitter. Criteria: ACMG Guidelines, 2015. Collection method: clinical testing. Allele origin: germline. Affected: yes. Observed: 1 variant allele.
Comment: ACMG/AMP criteria applied: PVS1_very strong, PS4_moderate. Homozygous.

Blueprint Genetics
Classification: Likely pathogenic for ALDH7A1-related disorders. Last evaluated: 2020-08-25. Review status: criteria provided, single submitter. Criteria: ACMG Guidelines, 2015. Collection method: clinical testing. Allele origin: germline. Affected: yes. Observed: 2 variant alleles.

Literature cited by the submitters: PubMed 16491085 (cited by Labcorp Genetics (formerly Invitae), Labcorp); PubMed 20554659 (cited by Labcorp Genetics (formerly Invitae), Labcorp); PubMed 31737911 (cited by Labcorp Genetics (formerly Invitae), Labcorp).

NM_001182.5(ALDH7A1):c.1072C>T (p.Arg358Ter)

Gene: ALDH7A1 (aldehyde dehydrogenase 7 family member A1; minus strand). Cytogenetic location: 5q23.2.
Variant type: single nucleotide variant.
Coding change: c.1072C>T on transcript NM_001182.5 (MANE Select); coding-DNA position 1072, C replaced by T.
Protein change: p.Arg358Ter; replaces arginine 358 with a stop codon.
Molecular consequence: nonsense. On other transcripts: intron variant (1).
Genome position (GRCh38, 1-based): chr5:126,555,952, G>A on the plus strand (C>T on the coding strand, the complement: ALDH7A1 is on the minus strand). VCF-style: chr5-126555952-G-A. GRCh37 (hg19) VCF-style: chr5-125891644-G-A.
Other names: NP_001173.2:p.(Arg358Ter); c.1072C>T (NM_001182.4); c.988C>T, p.Arg330Ter (NM_001201377.2); c.1008+3288C>T (NM_001202404.2); short protein forms R358*, R330*.
Identifiers: ClinVar variation 1457545 (VCV001457545.14), dbSNP rs768233031, ClinGen allele CA3389543.
Genomic context (GRCh38, chr5:126,555,952, plus strand): 5'-CAAAAAGGGATCGCTTTGAAAGCAGAAGGAGATACTCACGGTCCCATGGGTTCCCAACTC[G>A]GATCTGTGCATAGGCCTTTTTAAGTCTGTTTACAACCTCATCATGGATGCTTTCATGTAT-3'